The following is an entry in ClinVar:

NM_007294.4(BRCA1):c.1910C>T (p.Thr637Ile)

Gene: BRCA1 (BRCA1 DNA repair associated; minus strand). Cytogenetic location: 17q21.31.
Variant type: single nucleotide variant.
Coding change: c.1910C>T on transcript NM_007294.4 (MANE Select); coding-DNA position 1910, C replaced by T.
Protein change: p.Thr637Ile; replaces threonine 637 with isoleucine.
Molecular consequence: missense variant. On other transcripts: intron variant (137).
Genome position (GRCh38, 1-based): chr17:43,093,621, G>A on the plus strand (C>T on the coding strand, the complement: BRCA1 is on the minus strand). VCF-style: chr17-43093621-G-A. GRCh37 (hg19) VCF-style: chr17-41245638-G-A.
Other names: c.1697C>T, p.Thr566Ile (NM_001407571.1, NM_001407853.1, NM_001407894.1 and 9 more transcripts); c.1910C>T, p.Thr637Ile (NM_001407581.1, NM_001407582.1, NM_001407583.1 and 30 more transcripts); c.1907C>T, p.Thr636Ile (NM_001407587.1, NM_001407590.1, NM_001407591.1 and 22 more transcripts); c.1901C>T, p.Thr634Ile (NM_001407646.1, NM_001407647.1); c.1787C>T, p.Thr596Ile (NM_001407648.1, NM_001407664.1, NM_001407665.1 and 19 more transcripts); c.1784C>T, p.Thr595Ile (NM_001407649.1, NM_001407670.1, NM_001407671.1 and 11 more transcripts); c.1832C>T, p.Thr611Ile (NM_001407653.1, NM_001407654.1, NM_001407655.1 and 4 more transcripts); c.1829C>T, p.Thr610Ile (NM_001407659.1, NM_001407660.1, NM_001407661.1 and 1 more transcripts); and 40 more; short protein forms T637I, T590I, T525I, T526I, T567I, T341I, T509I, T510I.
Identifiers: ClinVar variation 479207 (VCV000479207.21), dbSNP rs1555590925, ClinGen allele CA10598201.

ClinVar aggregate classification (germline): Conflicting classifications of pathogenicity. Review status: criteria provided, conflicting classifications (1 of 4 stars). 4 submissions from 4 submitters: Uncertain significance (3); Likely benign (1). Last evaluated 2023-07-30.

Conditions:
Hereditary breast ovarian cancer syndrome. Also called: Hereditary breast and ovarian cancer syndrome (HBOC); Hereditary breast and ovarian cancer syndrome; Breast and ovarian cancer; BRCA1- and BRCA2-Associated Hereditary Breast and Ovarian Cancer; Hereditary breast and ovarian cancer; Hereditary breast and/or ovarian cancer syndrome. Identifiers: Orphanet 145, MedGen C0677776, MeSH D061325, MONDO:0003582. Disease mechanism: loss of function.
Hereditary cancer-predisposing syndrome. Also called: Neoplastic Syndromes, Hereditary; Hereditary Cancer Syndrome; Hereditary neoplastic syndrome; Tumor predisposition. Identifiers: Orphanet 140162, MedGen C0027672, MeSH D009386, MONDO:0015356.

Submissions (4):

Ambry Genetics
Classification: Uncertain significance for Hereditary cancer-predisposing syndrome. Last evaluated: 2023-07-30. Review status: criteria provided, single submitter. Criteria: Ambry Variant Classification Scheme 2023. Collection method: clinical testing. Allele origin: germline.
Comment: The p.T637I variant (also known as c.1910C>T), located in coding exon 9 of the BRCA1 gene, results from a C to T substitution at nucleotide position 1910. The threonine at codon 637 is replaced by isoleucine, an amino acid with similar properties. This amino acid position is not well conserved in available vertebrate species. In addition, the in silico prediction for this alteration is inconclusive. Since supporting evidence is limited at this time, the clinical significance of this alteration remains unclear.

University of Washington Department of Laboratory Medicine, University of Washington
Classification: Likely benign for Hereditary cancer-predisposing syndrome. Last evaluated: 2023-03-23. Review status: criteria provided, single submitter. Criteria: Dines et al. (Genet Med. 2020). Collection method: curation. Allele origin: germline.
Comment: Missense variant in a coldspot region where missense variants are very unlikely to be pathogenic (PMID:31911673).

BRCA1 coldspot (exon 11 using historical exon numbering). Reclassification based on statistical prior probability

GeneDx
Classification: Uncertain significance. Last evaluated: 2020-12-18. Review status: criteria provided, single submitter. Criteria: GeneDx Variant Classification Process June 2021. Collection method: clinical testing. Allele origin: germline. Affected: yes.
Comment: Not observed in large population cohorts (Lek 2016); In silico analysis supports that this missense variant has a deleterious effect on protein structure/function; Has not been previously published as pathogenic or benign to our knowledge

Labcorp Genetics (formerly Invitae), Labcorp
Classification: Uncertain significance for Hereditary breast ovarian cancer syndrome. Last evaluated: 2019-07-15. Review status: criteria provided, single submitter. Criteria: Invitae Variant Classification Sherloc (09022015). Collection method: clinical testing. Allele origin: germline.
Comment: This sequence change replaces threonine with isoleucine at codon 637 of the BRCA1 protein (p.Thr637Ile). The threonine residue is moderately conserved and there is a moderate physicochemical difference between threonine and isoleucine. This variant is not present in population databases (ExAC no frequency). This variant has not been reported in the literature in individuals with BRCA1-related conditions. ClinVar contains an entry for this variant (Variation ID: 479207). Algorithms developed to predict the effect of missense changes on protein structure and function output the following: SIFT: "Tolerated"; PolyPhen-2: "Benign"; Align-GVGD: "Class C0". The isoleucine amino acid residue is found in multiple mammalian species, suggesting that this missense change does not adversely affect protein function. These predictions have not been confirmed by published functional studies and their clinical significance is uncertain. In summary, the available evidence is currently insufficient to determine the role of this variant in disease. Therefore, it has been classified as a Variant of Uncertain Significance.